The following is an entry in ClinVar:

ClinVar aggregate classification (germline): Uncertain significance (1 of 4 stars; one submission).

Conditions:
Cardiovascular phenotype. Identifiers: MedGen CN230736.

Submission:

Ambry Genetics
Classification: Uncertain significance for Cardiovascular phenotype. Last evaluated: 2025-04-08. Review status: criteria provided, single submitter. Criteria: Ambry Variant Classification Scheme 2023. Collection method: clinical testing. Allele origin: germline.
Comment: The c.5559+2T>G intronic variant results from a T to G substitution two nucleotides after coding exon 35 in the MYH7 gene. This nucleotide position is highly conserved in available vertebrate species. In silico splice site analysis predicts that this alteration will weaken the native splice donor site. Alterations that disrupt the canonical splice site are expected to cause aberrant splicing, resulting in an abnormal protein or a transcript that is subject to nonsense-mediated mRNA decay. However, loss of function of MYH7 has not been established as a mechanism of disease. Based on the available evidence, the clinical significance of this alteration remains unclear.

NM_000257.4(MYH7):c.5559+2T>G

Gene: MYH7 (myosin heavy chain 7; minus strand). Cytogenetic location: 14q11.2.
Variant type: single nucleotide variant.
Coding change: c.5559+2T>G on transcript NM_000257.4 (MANE Select); the canonical splice donor site of the intron after coding-DNA position 5559, T replaced by G.
Molecular consequence: splice donor variant.
Genome position (GRCh38, 1-based): chr14:23,414,993, A>C on the plus strand (T>G on the coding strand, the complement: MYH7 is on the minus strand). VCF-style: chr14-23414993-A-C. GRCh37 (hg19) VCF-style: chr14-23884202-A-C.
Other names: c.5559+2T>G (NM_001407004.1).
Identifiers: ClinVar variation 3915627 (VCV003915627.1).